The following is an entry in ClinVar:

NM_001379270.1(CNGA1):c.1991C>A (p.Pro664Gln)

Genes: CNGA1 (cyclic nucleotide gated channel subunit alpha 1; minus strand), LOC101927157 (uncharacterized LOC101927157; plus strand). Cytogenetic location: 4p12.
Variant type: single nucleotide variant.
Coding change: c.1991C>A on transcript NM_001379270.1 (MANE Select); coding-DNA position 1991, C replaced by A.
Protein change: p.Pro664Gln; replaces proline 664 with glutamine.
Molecular consequence: missense variant.
Genome position (GRCh38, 1-based): chr4:47,936,491, G>T on the plus strand (C>A on the coding strand, the complement: CNGA1 is on the minus strand). VCF-style: chr4-47936491-G-T. GRCh37 (hg19) VCF-style: chr4-47938508-G-T.
Other names: c.1991C>A, p.Pro664Gln (NM_000087.5, NM_001142564.2); short protein forms P664Q.
Identifiers: ClinVar variation 1045291 (VCV001045291.8), dbSNP rs757837096, ClinGen allele CA2910978.

ClinVar aggregate classification (germline): Uncertain significance (1 of 4 stars; one submission).

Submission:

Labcorp Genetics (formerly Invitae), Labcorp
Classification: Uncertain significance. Last evaluated: 2020-03-05. Review status: criteria provided, single submitter. Criteria: Invitae Variant Classification Sherloc (09022015). Collection method: clinical testing. Allele origin: germline.
Comment: Algorithms developed to predict the effect of sequence changes on RNA splicing suggest that this variant may create or strengthen a splice site, but this prediction has not been confirmed by published transcriptional studies. Algorithms developed to predict the effect of missense changes on protein structure and function are either unavailable or do not agree on the potential impact of this missense change (SIFT: "Tolerated"; PolyPhen-2: "Probably Damaging"; Align-GVGD: "Class C0"). This variant has not been reported in the literature in individuals with CNGA1-related conditions. This variant is present in population databases (rs757837096, ExAC 0.001%). This sequence change replaces proline with glutamine at codon 668 of the CNGA1 protein (p.Pro668Gln). The proline residue is highly conserved and there is a moderate physicochemical difference between proline and glutamine. In summary, the available evidence is currently insufficient to determine the role of this variant in disease. Therefore, it has been classified as a Variant of Uncertain Significance.